The following is an entry in ClinVar:

NM_020191.4(MRPS22):c.879-330T>A

Gene: MRPS22 (mitochondrial ribosomal protein S22; plus strand). Cytogenetic location: 3q23.
Variant type: single nucleotide variant.
Coding change: c.879-330T>A on transcript NM_020191.4 (MANE Select); 330 bases into the intron before coding-DNA position 879, T replaced by A.
Molecular consequence: intron variant.
Genome position (GRCh38, 1-based): chr3:139,355,352, T>A. VCF-style: chr3-139355352-T-A. GRCh37 (hg19) VCF-style: chr3-139074194-T-A.
Other names: c.876-330T>A (NM_001363893.1); c.756-330T>A (NM_001363857.1).
Identifiers: ClinVar variation 671348 (VCV000671348.1), dbSNP rs2291555, ClinGen allele CA15228068.

ClinVar aggregate classification (germline): Benign (1 of 4 stars; one submission).

Allele frequency attached by ClinVar (database versions not stated): 1000 Genomes Project 0.06170; 1000 Genomes Project 30x 0.06215; TOPMed 0.06612; gnomAD 0.07567 and 0.07591.
gnomAD v4.1: 11,543 of 152,224 alleles (7.6%); highest among the groups gnomAD compares: Middle Eastern, 14%; 497 homozygotes.

Submission:

GeneDx
Classification: Benign. Last evaluated: 2018-06-19. Review status: criteria provided, single submitter. Criteria: GeneDx Variant Classification (06012015). Collection method: clinical testing. Allele origin: germline. Affected: yes.
Comment: This variant is considered likely benign or benign based on one or more of the following criteria: it is a conservative change, it occurs at a poorly conserved position in the protein, it is predicted to be benign by multiple in silico algorithms, and/or has population frequency not consistent with disease.